The following is an entry in ClinVar:

ClinVar aggregate classification (germline): Uncertain significance (1 of 4 stars; one submission).

Allele frequency attached by ClinVar (database versions not stated): gnomAD exomes 0.00002; TOPMed 0.00003; gnomAD 0.00004.
gnomAD v4.1: 30 of 1,614,032 alleles (0.0019%); highest among the groups gnomAD compares: Admixed American, 0.0083%; no homozygotes.

Submission:

Labcorp Genetics (formerly Invitae), Labcorp
Classification: Uncertain significance. Last evaluated: 2025-08-29. Review status: criteria provided, single submitter. Criteria: Invitae Variant Classification Sherloc (09022015). Collection method: clinical testing. Allele origin: germline.
Comment: This sequence change replaces cysteine, which is neutral and slightly polar, with tyrosine, which is neutral and polar, at codon 1243 of the ADGRA3 protein (p.Cys1243Tyr). This variant is present in population databases (rs755303518, gnomAD 0.009%). This variant has not been reported in the literature in individuals affected with ADGRA3-related conditions. ClinVar contains an entry for this variant (Variation ID: 1497129). An algorithm developed to predict the effect of missense changes on protein structure and function (PolyPhen-2) suggests that this variant is likely to be tolerated. In summary, the available evidence is currently insufficient to determine the role of this variant in disease. Therefore, it has been classified as a Variant of Uncertain Significance.

NM_145290.4(ADGRA3):c.3728G>A (p.Cys1243Tyr)

Gene: ADGRA3 (adhesion G protein-coupled receptor A3; minus strand). Cytogenetic location: 4p15.2.
Variant type: single nucleotide variant.
Coding change: c.3728G>A on transcript NM_145290.4 (MANE Select); coding-DNA position 3728, G replaced by A.
Protein change: p.Cys1243Tyr; replaces cysteine 1243 with tyrosine.
Molecular consequence: missense variant.
Genome position (GRCh38, 1-based): chr4:22,387,943, C>T on the plus strand (G>A on the coding strand, the complement: ADGRA3 is on the minus strand). VCF-style: chr4-22387943-C-T. GRCh37 (hg19) VCF-style: chr4-22389566-C-T.
Other names: short protein forms C1243Y.
Identifiers: ClinVar variation 1497129 (VCV001497129.6), dbSNP rs755303518, ClinGen allele CA2873306.